The following is an entry in ClinVar:

ClinVar aggregate classification (germline): Uncertain significance (1 of 4 stars; one submission).

Allele frequency attached by ClinVar (database versions not stated): ExAC 0.00007; gnomAD 0.00007; TOPMed 0.00009; gnomAD exomes 0.00018; ESP Exome Variant Server 0.00023.
gnomAD v4.1: 269 of 1,610,338 alleles (0.017%); highest among the groups gnomAD compares: Non-Finnish European, 0.022%; no homozygotes.

Submission:

Labcorp Genetics (formerly Invitae), Labcorp
Classification: Uncertain significance. Last evaluated: 2022-11-08. Review status: criteria provided, single submitter. Criteria: Invitae Variant Classification Sherloc (09022015). Collection method: clinical testing. Allele origin: germline.
Comment: In summary, the available evidence is currently insufficient to determine the role of this variant in disease. Therefore, it has been classified as a Variant of Uncertain Significance. Advanced modeling of protein sequence and biophysical properties (such as structural, functional, and spatial information, amino acid conservation, physicochemical variation, residue mobility, and thermodynamic stability) performed at Invitae indicates that this missense variant is not expected to disrupt CRB2 protein function. This variant has not been reported in the literature in individuals affected with CRB2-related conditions. This variant is present in population databases (rs142277917, gnomAD 0.02%). This sequence change replaces isoleucine, which is neutral and non-polar, with threonine, which is neutral and polar, at codon 1198 of the CRB2 protein (p.Ile1198Thr).

NM_173689.7(CRB2):c.3593T>C (p.Ile1198Thr)

Gene: CRB2 (crumbs cell polarity complex component 2; plus strand). Cytogenetic location: 9q33.3.
Variant type: single nucleotide variant.
Coding change: c.3593T>C on transcript NM_173689.7 (MANE Select); coding-DNA position 3593, T replaced by C.
Protein change: p.Ile1198Thr; replaces isoleucine 1198 with threonine.
Molecular consequence: missense variant. On other transcripts: non-coding transcript variant (1).
Genome position (GRCh38, 1-based): chr9:123,375,303, T>C. VCF-style: chr9-123375303-T-C. GRCh37 (hg19) VCF-style: chr9-126137582-T-C.
Other names: short protein forms I1198T.
Identifiers: ClinVar variation 2052970 (VCV002052970.2), dbSNP rs142277917, ClinGen allele CA5232542.